The following is an entry in ClinVar:

NM_001018005.2(TPM1):c.563+347C>T

Gene: TPM1 (tropomyosin 1; plus strand). Cytogenetic location: 15q22.2.
Variant type: single nucleotide variant.
Coding change: c.563+347C>T on transcript NM_001018005.2 (MANE Select); 347 bases into the intron after coding-DNA position 563, C replaced by T.
Molecular consequence: intron variant.
Genome position (GRCh38, 1-based): chr15:63,061,286, C>T. VCF-style: chr15-63061286-C-T. GRCh37 (hg19) VCF-style: chr15-63353485-C-T.
Other names: c.563+347C>T (NM_001365776.1, NM_001018004.2, NM_001301244.2 and 3 more transcripts); c.639+13C>T (NM_000366.6, NM_001018020.2, NM_001018006.2); c.531+13C>T (NM_001330351.2, NM_001330344.2, NM_001365781.2); c.455+347C>T (NM_001018008.2, NM_001301289.2, NM_001365782.1 and 2 more transcripts); c.689+347C>T (NM_001365778.1).
Identifiers: ClinVar variation 516762 (VCV000516762.4), dbSNP rs759081217, ClinGen allele CA030476.
Genomic context (GRCh38, chr15:63,061,286, plus strand): 5'-AGAATAATGGATCAGACCTTGAAAGCATTAATGGCTGCAGAGGATAAGGTACTGATGGCT[C>T]GTGTGGTTTTTAGGTTTAACTGCAACCCAGACATCTTTCAGCTTCCAATGCCTCCTGGTT-3'

ClinVar aggregate classification (germline): Conflicting classifications of pathogenicity. Review status: criteria provided, conflicting classifications (1 of 4 stars). 3 submissions from 3 submitters: Uncertain significance (1); Likely benign (2). Last evaluated 2021-11-21.

Allele frequency attached by ClinVar (database versions not stated): gnomAD exomes below 0.00001; ExAC 0.00001; gnomAD 0.00002 and 0.00003; TOPMed 0.00002.
gnomAD v4.1: 15 of 1,613,822 alleles (0.00093%); highest among the groups gnomAD compares: African/African-American, 0.0067%; no homozygotes.

Submissions (3):

Women's Health and Genetics/Laboratory Corporation of America, LabCorp
Classification: Uncertain significance. Last evaluated: 2021-11-21. Review status: criteria provided, single submitter. Criteria: LabCorp Variant Classification Summary - May 2015. Collection method: clinical testing. Allele origin: germline.

Blueprint Genetics
Classification: Likely benign. Last evaluated: 2021-10-14. Review status: criteria provided, single submitter. Criteria: ACMG Guidelines, 2015. Collection method: clinical testing. Allele origin: germline.

GeneDx
Classification: Likely benign. Last evaluated: 2018-01-08. Review status: criteria provided, single submitter. Criteria: GeneDx Variant Classification (06012015). Collection method: clinical testing. Allele origin: germline. Affected: yes.
Comment: This variant is considered likely benign or benign based on one or more of the following criteria: it is a conservative change, it occurs at a poorly conserved position in the protein, it is predicted to be benign by multiple in silico algorithms, and/or has population frequency not consistent with disease.